The following is an entry in ClinVar:

ClinVar aggregate classification (germline): Uncertain significance (1 of 4 stars; one submission).

Conditions:
Early-infantile DEE. Also called: Ohtahara syndrome; Early infantile epileptic encephalopathy; Early infantile epileptic encephalopathy with suppression bursts. Identifiers: Orphanet 1934, MedGen C0393706, MONDO:0800491.

Submission:

Labcorp Genetics (formerly Invitae), Labcorp
Classification: Uncertain significance for Early-infantile DEE. Last evaluated: 2025-10-24. Review status: criteria provided, single submitter. Criteria: Invitae Variant Classification Sherloc (09022015). Collection method: clinical testing. Allele origin: germline.
Comment: This sequence change falls in intron 20 of the SCN1A gene. It does not directly change the encoded amino acid sequence of the SCN1A protein. However, this sequence change falls within a region encompassing a cryptic exon in the SCN1A gene, in which variants have been shown to alter splicing (PMID: 30526861, 34107977). This variant is not present in population databases (gnomAD no frequency). This variant has been observed in individual(s) with clinical features of SCN1A-related conditions (internal data). ClinVar contains an entry for this variant (Variation ID: 1545018). Algorithms developed to predict the effect of sequence changes on RNA splicing suggest that this variant is not likely to affect RNA splicing. In summary, the available evidence is currently insufficient to determine the role of this variant in disease. Therefore, it has been classified as a Variant of Uncertain Significance.

Literature cited by the submitters: PubMed 30526861; PubMed 34107977.

NM_001165963.4(SCN1A):c.4002+2098del

Genes: SCN1A (sodium voltage-gated channel alpha subunit 1; minus strand), LOC102724058 (uncharacterized LOC102724058; plus strand). Cytogenetic location: 2q24.3.
Variant type: Deletion.
Coding change: c.4002+2098del on transcript NM_001165963.4 (MANE Select); 2098 bases into the intron after coding-DNA position 4002, one base deleted (T; older notation c.4002+2098delT).
Molecular consequence: intron variant.
Genome position (GRCh38, 1-based): chr2:166,007,621, A deleted on the plus strand (T on the coding strand, the reverse complement: SCN1A is on the minus strand); the first of 3 consecutive A bases (chr2:166,007,621-166,007,623); deleting any one gives the same sequence. VCF-style (leftmost placement, unchanged base first): chr2-166007620-CA-C. GRCh37 (hg19) VCF-style: chr2-166864130-CA-C.
Other names: c.3969+2098del (NM_001353949.2, NM_001353950.2, NM_001353951.2 and 2 more transcripts); c.3918+2098del (NM_001353958.2, NM_001353957.2, NM_001165964.3); c.4002+2098del (NM_001202435.3, NM_001353948.2); c.3966+2098del (NM_001353955.2, NM_001353954.2); c.3915+2098del (NM_001353960.2); c.1560+2098del (NM_001353961.2).
Identifiers: ClinVar variation 1545018 (VCV001545018.9), dbSNP rs768145184, ClinGen allele CA59771689.
Genomic context (GRCh38, chr2:166,007,620, plus strand): 5'-TGAAATACAATAAATGTTTAAAAGCTGTCAGCCAGAAATGTGCATAAAACATGCAAAACA[CA>C]AAGTGCAACGTGATGATAATTTATTTGTTACTTTCTAACTTCTTATCAAGCACTGTACAA-3'